The following is an entry in ClinVar:

ClinVar aggregate classification (germline): Conflicting classifications of pathogenicity. Review status: criteria provided, conflicting classifications (1 of 4 stars). 2 submissions from 2 submitters: Uncertain significance (1); Likely benign (1). Last evaluated 2018-01-12.

Conditions:
Charcot-Marie-Tooth disease axonal type 2P. Also called: Charcot-Marie-Tooth Neuropathy Type 2G; CHARCOT-MARIE-TOOTH DISEASE, AXONAL, TYPE 2G; CMT 2G; CHARCOT-MARIE-TOOTH NEUROPATHY, TYPE 2P. Identifiers: Orphanet 300319, Orphanet 99941, MedGen C3280797, MONDO:0013753, OMIM 614436.

Allele frequency attached by ClinVar (database versions not stated): gnomAD 0.00017 and 0.00018; TOPMed 0.00024; gnomAD exomes 0.00025.
gnomAD v4.1: 90 of 389,272 alleles (0.023%); highest among the groups gnomAD compares: Non-Finnish European, 0.038%; no homozygotes.

Submissions (2):

Illumina Laboratory Services, Illumina
Classification: Uncertain significance for Charcot-Marie-Tooth disease axonal type 2P. Last evaluated: 2018-01-12. Review status: criteria provided, single submitter. Criteria: ICSL Variant Classification Criteria 13 December 2019. Collection method: clinical testing. Allele origin: germline.

GeneDx
Classification: Likely benign. Last evaluated: 2015-06-19. Review status: criteria provided, single submitter. Criteria: GeneDx Variant Classification (06012015). Collection method: clinical testing. Allele origin: germline. Affected: yes.
Comment: This variant is considered likely benign or benign based on one or more of the following criteria: it is a conservative change, it occurs at a poorly conserved position in the protein, it is predicted to be benign by multiple in silico algorithms, and/or has population frequency not consistent with disease.

NM_001005373.4(LRSAM1):c.-199A>G

Gene: LRSAM1 (leucine rich repeat and sterile alpha motif containing 1; plus strand). Cytogenetic location: 9q33.3.
Variant type: single nucleotide variant.
Coding change: c.-199A>G on transcript NM_001005373.4 (MANE Select); 199 bases upstream of the start codon, A replaced by G.
Molecular consequence: 5 prime UTR variant. On other transcripts: non-coding transcript variant (2).
Genome position (GRCh38, 1-based): chr9:127,451,659, A>G. VCF-style: chr9-127451659-A-G. GRCh37 (hg19) VCF-style: chr9-130213938-A-G.
Other names: c.-199A>G (NM_001190723.3, NM_001384143.1); c.-1216A>G (NM_001384142.1); c.-983A>G (NM_001384144.1); c.-458A>G (NM_138361.5).
Identifiers: ClinVar variation 365003 (VCV000365003.5), dbSNP rs760403428, ClinGen allele CA10632582.